The following is an entry in ClinVar:

NM_001127221.2(CACNA1A):c.5598C>T (p.Gly1866=)

Gene: CACNA1A (calcium voltage-gated channel subunit alpha1 A; minus strand). Cytogenetic location: 19p13.13.
Variant type: single nucleotide variant.
Coding change: c.5598C>T on transcript NM_001127221.2 (MANE Plus Clinical); coding-DNA position 5598, C replaced by T.
Protein change: p.Gly1866=; no amino-acid change (glycine 1866 retained).
Molecular consequence: synonymous variant. On other transcripts: intron variant (4).
Genome position (GRCh38, 1-based): chr19:13,228,729, G>A on the plus strand (C>T on the coding strand, the complement: CACNA1A is on the minus strand). VCF-style: chr19-13228729-G-A. GRCh37 (hg19) VCF-style: chr19-13339543-G-A.
Other names: c.5529-1202C>T (NM_001127222.2); c.5538-1202C>T (NM_001174080.2); c.5547-1202C>T (NM_000068.4, NM_023035.3).
Identifiers: ClinVar variation 4217720 (VCV004217720.1).

ClinVar aggregate classification (germline): Uncertain significance (1 of 4 stars; one submission).

Conditions:
Inborn genetic diseases. Identifiers: MedGen C0950123, MeSH D030342.

Submission:

Ambry Genetics
Classification: Uncertain significance for Inborn genetic diseases. Last evaluated: 2025-08-06. Review status: criteria provided, single submitter. Criteria: Ambry Variant Classification Scheme 2023. Collection method: clinical testing. Allele origin: germline.
Comment: The c.5598C>T (p.G1866G) alteration is located in exon 37 (coding exon 37) of the CACNA1A gene. This alteration consists of a C to T substitution at nucleotide position 5598. This nucleotide substitution does not change the amino acid at codon 1866. for CACNA1A-related neurologic disorder ; however, it is unlikely to be causative of CACNA1A-related spinocerebellar ataxia. This variant was not reported in population-based cohorts in the Genome Aggregation Database (gnomAD). This nucleotide position is not well conserved in available vertebrate species. In silico splice site analysis predicts that this alteration will result in the creation or strengthening of a novel splice donor site. Based on insufficient or conflicting evidence, the clinical significance of this alteration remains unclear.